The following is an entry in ClinVar:

NM_000038.6(APC):c.3138del (p.Asn1046fs)

Gene: APC (APC regulator of Wnt signaling pathway; plus strand). Cytogenetic location: 5q22.2.
Variant type: Deletion.
Coding change: c.3138del on transcript NM_000038.6 (MANE Select); coding-DNA position 3138, one base deleted (T; older notation c.3138delT).
Protein change: p.Asn1046fs; shifts the reading frame from asparagine 1046.
Molecular consequence: frameshift variant. On other transcripts: non-coding transcript variant (2).
Genome position (GRCh38, 1-based): chr5:112,838,732, T deleted. VCF-style (leftmost placement, unchanged base first): chr5-112838731-AT-A. GRCh37 (hg19) VCF-style: chr5-112174428-AT-A.
Other names: c.3084del, p.Asn1028fs (NM_001127511.3); c.3138del, p.Asn1046fs (NM_001354895.2, NM_001127510.3, NM_001407450.1); c.3192del, p.Asn1064fs (NM_001354896.2, NM_001407447.1, NM_001407448.1 and 1 more transcripts); c.3168del, p.Asn1056fs (NM_001354897.2); c.3063del, p.Asn1021fs (NM_001354898.2); c.3054del, p.Asn1018fs (NM_001354899.2); c.3015del, p.Asn1005fs (NM_001354900.2); c.2961del, p.Asn987fs (NM_001354901.2, NM_001407453.1); and 11 more; short protein forms N1005fs, N1018fs, N1021fs, N1028fs, N1036fs, N1039fs, N1046fs, N1056fs.
Identifiers: ClinVar variation 2583374 (VCV002583374.2), dbSNP rs2533473924, ClinGen allele CA2582341487.
Genomic context (GRCh38, chr5:112,838,731, plus strand): 5'-ATTATAGTCTTAAATATTCAGATGAGCAGTTGAACTCTGGAAGGCAAAGTCCTTCACAGA[AT>A]GAAAGATGGGCAAGACCCAAACACATAATAGAAGATGAAATAAAACAAAGTGAGCAAAGA-3'

ClinVar aggregate classification (germline): Pathogenic (1 of 4 stars; one submission).

Conditions:
Familial adenomatous polyposis 1 (FAP1). Also called: POLYPOSIS, ADENOMATOUS INTESTINAL; FAMILIAL ADENOMATOUS POLYPOSIS 1, ATTENUATED. Identifiers: MedGen C2713442, MONDO:0021056, OMIM 175100. Disease mechanism: loss of function.

Submission:

Myriad Genetics, Inc.
Classification: Pathogenic for Familial adenomatous polyposis 1. Last evaluated: 2023-05-05. Review status: criteria provided, single submitter. Criteria: Myriad Autosomal Dominant, Autosomal Recessive and X-Linked Classification Criteria (2023). Collection method: clinical testing. Allele origin: unknown.
Comment: This variant is considered pathogenic. This variant creates a frameshift predicted to result in premature protein truncation.